The following is an entry in ClinVar:

NM_001111125.3(IQSEC2):c.1672G>C (p.Val558Leu)

Gene: IQSEC2 (IQ motif and Sec7 domain ArfGEF 2; minus strand). Cytogenetic location: Xp11.22.
Variant type: single nucleotide variant.
Coding change: c.1672G>C on transcript NM_001111125.3 (MANE Select); coding-DNA position 1672, G replaced by C.
Protein change: p.Val558Leu; replaces valine 558 with leucine.
Molecular consequence: missense variant.
Genome position (GRCh38, 1-based): chrX:53,250,904, C>G on the plus strand (G>C on the coding strand, the complement: IQSEC2 is on the minus strand). VCF-style: chrX-53250904-C-G. GRCh37 (hg19) VCF-style: chrX-53280086-C-G.
Other names: c.1057G>C, p.Val353Leu (NM_015075.2); c.1672G>C (NM_001111125.2); short protein forms V353L, V558L.
Identifiers: ClinVar variation 1434832 (VCV001434832.9), dbSNP rs2074377782, ClinGen allele CA413164661.

ClinVar aggregate classification (germline): Uncertain significance. Review status: criteria provided, single submitter (1 of 4 stars). 2 submissions from 2 submitters: Uncertain significance (1). 1 of the submissions does not count toward it. Last evaluated 2024-09-12.

Conditions:
Intellectual developmental disorder, X-linked 1. Also called: Atkin Flaitz Patil Smith syndrome; Intellectual disability, X-linked 1; MENTAL RETARDATION, X-LINKED 18; MENTAL RETARDATION, X-LINKED 78. Identifiers: Orphanet 777, MedGen C2931498, MONDO:0010656, OMIM 309530.
IQSEC2-related disorder. Also called: IQSEC2-related condition.

Allele frequency attached by ClinVar (database versions not stated): gnomAD exomes below 0.00001.
gnomAD v4.1: 1 of 1,210,474 alleles (0.000083%); highest among the groups gnomAD compares: Non-Finnish European, 0.00011%; no homozygotes.

Submissions (2):

Labcorp Genetics (formerly Invitae), Labcorp
Classification: Uncertain significance for Intellectual developmental disorder, X-linked 1. Last evaluated: 2024-09-12. Review status: criteria provided, single submitter. Criteria: Invitae Variant Classification Sherloc (09022015). Collection method: clinical testing. Allele origin: germline.
Comment: This sequence change replaces valine, which is neutral and non-polar, with leucine, which is neutral and non-polar, at codon 558 of the IQSEC2 protein (p.Val558Leu). This variant is not present in population databases (gnomAD no frequency). This variant has not been reported in the literature in individuals affected with IQSEC2-related conditions. ClinVar contains an entry for this variant (Variation ID: 1434832). Invitae Evidence Modeling of protein sequence and biophysical properties (such as structural, functional, and spatial information, amino acid conservation, physicochemical variation, residue mobility, and thermodynamic stability) indicates that this missense variant is not expected to disrupt IQSEC2 protein function with a negative predictive value of 95%. In summary, the available evidence is currently insufficient to determine the role of this variant in disease. Therefore, it has been classified as a Variant of Uncertain Significance.

PreventionGenetics, part of Exact Sciences
Classification: Uncertain significance for IQSEC2-related condition. Last evaluated: 2024-05-03. Review status: no assertion criteria provided. Collection method: clinical testing. Allele origin: germline. Not counted in ClinVar's aggregate classification.
Comment: The IQSEC2 c.1672G>C variant is predicted to result in the amino acid substitution p.Val558Leu. To our knowledge, this variant has not been reported in the literature or in a large population database, indicating this variant is rare. At this time, the clinical significance of this variant is uncertain due to the absence of conclusive functional and genetic evidence.